The following is an entry in ClinVar:

NM_000545.8(HNF1A):c.736G>A (p.Val246Met)

Gene: HNF1A (HNF1 homeobox A; plus strand). Cytogenetic location: 12q24.31.
Variant type: single nucleotide variant.
Coding change: c.736G>A on transcript NM_000545.8 (MANE Select); coding-DNA position 736, G replaced by A.
Protein change: p.Val246Met; replaces valine 246 with methionine.
Molecular consequence: missense variant.
Genome position (GRCh38, 1-based): chr12:120,994,186, G>A. VCF-style: chr12-120994186-G-A. GRCh37 (hg19) VCF-style: chr12-121431989-G-A.
Other names: c.736G>A, p.Val246Met (NM_001306179.2, NM_001406915.1); short protein forms V246M.
Identifiers: ClinVar variation 2982876 (VCV002982876.3), dbSNP rs2135841224, ClinGen allele CA386965854.

ClinVar aggregate classification (germline): Uncertain significance (1 of 4 stars; one submission).

Submission:

Labcorp Genetics (formerly Invitae), Labcorp
Classification: Uncertain significance. Last evaluated: 2024-10-16. Review status: criteria provided, single submitter. Criteria: Invitae Variant Classification Sherloc (09022015). Collection method: clinical testing. Allele origin: germline.
Comment: This sequence change replaces valine, which is neutral and non-polar, with methionine, which is neutral and non-polar, at codon 246 of the HNF1A protein (p.Val246Met). This variant is not present in population databases (gnomAD no frequency). This variant has not been reported in the literature in individuals affected with HNF1A-related conditions. Invitae Evidence Modeling of protein sequence and biophysical properties (such as structural, functional, and spatial information, amino acid conservation, physicochemical variation, residue mobility, and thermodynamic stability) indicates that this missense variant is not expected to disrupt HNF1A protein function with a negative predictive value of 80%. In summary, the available evidence is currently insufficient to determine the role of this variant in disease. Therefore, it has been classified as a Variant of Uncertain Significance.